The following is an entry in ClinVar:

NM_016277.5(RAB23):c.577G>A (p.Val193Ile)

Gene: RAB23 (RAB23, member RAS oncogene family; minus strand). Cytogenetic location: 6p12.1.
Variant type: single nucleotide variant.
Coding change: c.577G>A on transcript NM_016277.5 (MANE Select); coding-DNA position 577, G replaced by A.
Protein change: p.Val193Ile; replaces valine 193 with isoleucine.
Molecular consequence: missense variant. On other transcripts: non-coding transcript variant (1).
Genome position (GRCh38, 1-based): chr6:57,190,598, C>T on the plus strand (G>A on the coding strand, the complement: RAB23 is on the minus strand). VCF-style: chr6-57190598-C-T. GRCh37 (hg19) VCF-style: chr6-57055396-C-T.
Other names: c.577G>A, p.Val193Ile (NM_001278666.2, NM_001278667.2, NM_001278668.2 and 1 more transcripts); short protein forms V193I.
Identifiers: ClinVar variation 4984601 (VCV004984601.1).

ClinVar aggregate classification (germline): Uncertain significance (1 of 4 stars; one submission).

Conditions:
RAB23-related disorder. Also called: RAB23-related condition.

Submission:

PreventionGenetics, part of Exact Sciences
Classification: Uncertain significance for RAB23-related condition. Last evaluated: 2025-12-29. Review status: criteria provided, single submitter. Criteria: ACMG Guidelines, 2015. Collection method: clinical testing. Allele origin: germline.
Comment: The RAB23 c.577G>A variant is predicted to result in the amino acid substitution p.Val193Ile. To our knowledge, this variant has not been reported in the literature or in a large population database (gnomAD), indicating this variant is rare. At this time, the clinical significance of this variant is uncertain due to the absence of conclusive functional and genetic evidence.